The following is an entry in ClinVar:

NM_005477.3(HCN4):c.2908T>C (p.Ser970Pro)

Gene: HCN4 (hyperpolarization activated cyclic nucleotide gated potassium channel 4; minus strand). Cytogenetic location: 15q24.1.
Variant type: single nucleotide variant.
Coding change: c.2908T>C on transcript NM_005477.3 (MANE Select); coding-DNA position 2908, T replaced by C.
Protein change: p.Ser970Pro; replaces serine 970 with proline.
Molecular consequence: missense variant.
Genome position (GRCh38, 1-based): chr15:73,323,185, A>G on the plus strand (T>C on the coding strand, the complement: HCN4 is on the minus strand). VCF-style: chr15-73323185-A-G. GRCh37 (hg19) VCF-style: chr15-73615526-A-G.
Other names: short protein forms S970P.
Identifiers: ClinVar variation 2095366 (VCV002095366.4), dbSNP rs2549068452, ClinGen allele CA393086969.

ClinVar aggregate classification (germline): Uncertain significance (1 of 4 stars; one submission).

Conditions:
Brugada syndrome 8 (BRGDA8). Identifiers: Orphanet 130, MedGen C2751083, MONDO:0013148, OMIM 613123.

Allele frequency attached by ClinVar (database versions not stated): gnomAD exomes below 0.00001.
gnomAD v4.1: 1 of 1,547,586 alleles (0.000065%); highest among the groups gnomAD compares: Non-Finnish European, 0.000087%; no homozygotes.

Submission:

Labcorp Genetics (formerly Invitae), Labcorp
Classification: Uncertain significance for Brugada syndrome 8. Last evaluated: 2022-11-28. Review status: criteria provided, single submitter. Criteria: Invitae Variant Classification Sherloc (09022015). Collection method: clinical testing. Allele origin: germline.
Comment: In summary, the available evidence is currently insufficient to determine the role of this variant in disease. Therefore, it has been classified as a Variant of Uncertain Significance. This variant is not present in population databases (gnomAD no frequency). Advanced modeling of protein sequence and biophysical properties (such as structural, functional, and spatial information, amino acid conservation, physicochemical variation, residue mobility, and thermodynamic stability) performed at Invitae indicates that this missense variant is not expected to disrupt HCN4 protein function. This variant has not been reported in the literature in individuals affected with HCN4-related conditions. This sequence change replaces serine, which is neutral and polar, with proline, which is neutral and non-polar, at codon 970 of the HCN4 protein (p.Ser970Pro).